The following is an entry in ClinVar:

ClinVar aggregate classification (germline): Likely benign (1 of 4 stars; one submission).

gnomAD v4.1: 555 of 1,611,042 alleles (0.034%); highest among the groups gnomAD compares: Middle Eastern, 0.23%; no homozygotes.

Submission:

CeGaT Center for Human Genetics Tuebingen
Classification: Likely benign. Last evaluated: 2025-09-01. Review status: criteria provided, single submitter. Criteria: CeGaT Center For Human Genetics Tuebingen Variant Classification Criteria Version 2. Collection method: clinical testing. Allele origin: germline. Affected: yes. Observed: 2 variant alleles.
Comment: TASP1: BP4, BP7

NM_017714.3(TASP1):c.1059C>T (p.Ala353=)

Gene: TASP1 (taspase 1; minus strand). Cytogenetic location: 20p12.1.
Variant type: single nucleotide variant.
Coding change: c.1059C>T on transcript NM_017714.3 (MANE Select); coding-DNA position 1059, C replaced by T.
Protein change: p.Ala353=; no amino-acid change (alanine 353 retained).
Molecular consequence: synonymous variant. On other transcripts: non-coding transcript variant (4).
Genome position (GRCh38, 1-based): chr20:13,435,081, G>A on the plus strand (C>T on the coding strand, the complement: TASP1 is on the minus strand). VCF-style: chr20-13435081-G-A. GRCh37 (hg19) VCF-style: chr20-13415728-G-A.
Other names: c.666C>T, p.Ala222= (NM_001323602.2); c.753C>T, p.Ala251= (NM_001323603.2, NM_001323604.2).
Identifiers: ClinVar variation 3905134 (VCV003905134.10).